The following is an entry in ClinVar:

ClinVar aggregate classification (germline): Likely benign (1 of 4 stars; one submission).

Submission:

CeGaT Center for Human Genetics Tuebingen
Classification: Likely benign. Last evaluated: 2026-09-01. Review status: criteria provided, single submitter. Criteria: CeGaT Center For Human Genetics Tuebingen Variant Classification Criteria Version 2. Collection method: clinical testing. Allele origin: germline. Affected: yes. Observed: 1 variant allele.
Comment: MUC8: PM2:Supporting, BP4, BP7

NC_000012.12:g.132473028G>A

Gene: MUC8 (mucin 8; minus strand). Cytogenetic location: 12q24.33.
Variant type: single nucleotide variant.
Genome position: GRCh38 VCF-style: chr12-132473028-G-A. GRCh37 (hg19) VCF-style: chr12-133049614-G-A.
Identifiers: ClinVar variation 5041579 (VCV005041579.1).